The following is an entry in ClinVar:

NM_001035.3(RYR2):c.710T>C (p.Leu237Pro)

Gene: RYR2 (ryanodine receptor 2; plus strand). Cytogenetic location: 1q43.
Variant type: single nucleotide variant.
Coding change: c.710T>C on transcript NM_001035.3 (MANE Select); coding-DNA position 710, T replaced by C.
Protein change: p.Leu237Pro; replaces leucine 237 with proline.
Molecular consequence: missense variant.
Genome position (GRCh38, 1-based): chr1:237,388,120, T>C. VCF-style: chr1-237388120-T-C. GRCh37 (hg19) VCF-style: chr1-237551420-T-C.
Other names: c.710T>C, p.Leu237Pro (LRG_402t1); short protein forms L237P.
Identifiers: ClinVar variation 626375 (VCV000626375.10), dbSNP rs1400197755, ClinGen allele CA345378187.

ClinVar aggregate classification (germline): Uncertain significance. Review status: criteria provided, multiple submitters, no conflicts (2 of 4 stars). 5 submissions from 5 submitters: Uncertain significance (5). Last evaluated 2025-10-11.

Conditions:
Catecholaminergic polymorphic ventricular tachycardia (CVPT). Also called: Catecholamine-induced polymorphic ventricular tachycardia. Identifiers: Orphanet 3286, MedGen C5574922, MONDO:0017990.
Cardiomyopathy (CMYO). Also called: Cardiomyopathies. Identifiers: Orphanet 167848, MedGen C0878544, MONDO:0004994, HP:0001638. Inheritance: Various modes of inheritance.
Catecholaminergic polymorphic ventricular tachycardia 1. Also called: RYR2-Related Catecholaminergic Polymorphic Ventricular Tachycardia; VENTRICULAR TACHYCARDIA, CATECHOLAMINERGIC POLYMORPHIC, 1, WITH OR WITHOUT ATRIAL DYSFUNCTION AND/OR DILATED CARDIOMYOPATHY; VENTRICULAR TACHYCARDIA, STRESS-INDUCED POLYMORPHIC 1. Identifiers: Orphanet 3286, MedGen C1631597, MONDO:0011484, OMIM 604772.

Allele frequency attached by ClinVar (database versions not stated): gnomAD exomes below 0.00001 and 0.00001.
gnomAD v4.1: 7 of 1,613,960 alleles (0.00043%); highest among the groups gnomAD compares: Non-Finnish European, 0.00059%; no homozygotes.

Submissions (5):

Labcorp Genetics (formerly Invitae), Labcorp
Classification: Uncertain significance for Catecholaminergic polymorphic ventricular tachycardia 1. Last evaluated: 2025-10-11. Review status: criteria provided, single submitter. Criteria: Invitae Variant Classification Sherloc (09022015). Collection method: clinical testing. Allele origin: germline.
Comment: This sequence change replaces leucine, which is neutral and non-polar, with proline, which is neutral and non-polar, at codon 237 of the RYR2 protein (p.Leu237Pro). This variant is present in population databases (no rsID available, gnomAD 0.0009%). This variant has not been reported in the literature in individuals affected with RYR2-related conditions. ClinVar contains an entry for this variant (Variation ID: 626375). Invitae Evidence Modeling of protein sequence and biophysical properties (such as structural, functional, and spatial information, amino acid conservation, physicochemical variation, residue mobility, and thermodynamic stability) has been performed for this missense variant. However, the output from this modeling did not meet the statistical confidence thresholds required to predict the impact of this variant on RYR2 protein function. In summary, the available evidence is currently insufficient to determine the role of this variant in disease. Therefore, it has been classified as a Variant of Uncertain Significance.

Color Diagnostics, LLC DBA Color Health
Classification: Uncertain significance for Cardiomyopathy. Last evaluated: 2024-03-06. Review status: criteria provided, single submitter. Criteria: ACMG Guidelines, 2015. Collection method: clinical testing. Allele origin: germline.
Comment: This variant is located in the RYR2 protein. Computational prediction suggests that this variant may have deleterious impact on protein structure and function (internally defined REVEL score threshold >= 0.7, PMID: 27666373). To our knowledge, functional studies have not been reported for this variant. This variant has not been reported in individuals affected with RYR2-related disorders in the literature. This variant has been identified in 1/249110 chromosomes in the general population by the Genome Aggregation Database (gnomAD). The available evidence is insufficient to determine the role of this variant in disease conclusively. Therefore, this variant is classified as a Variant of Uncertain Significance.

All of Us Research Program, National Institutes of Health
Classification: Uncertain significance for Catecholaminergic polymorphic ventricular tachycardia. Last evaluated: 2023-06-26. Review status: criteria provided, single submitter. Criteria: ACMG Guidelines, 2015. Collection method: clinical testing. Allele origin: germline. Inheritance: Autosomal dominant inheritance. Observed: 1 variant allele, 1 heterozygote.
Comment: Variant of Uncertain Significance due to insufficient evidence: This missense variant is located in the cytoplasmic MIR motif 3 of the MIR domain of the RYR2 protein. Computational prediction tools and conservation analyses suggest that this variant may have deleterious impact on the protein function. Computational splicing tools suggest that this variant may not impact RNA splicing. To our knowledge, functional assays have not been performed for this variant nor has this variant been reported in individuals affected with cardiovascular disorders in the literature. This variant has been identified in 1/246094 chromosomes in the general population by the Genome Aggregation Database (gnomAD). Available evidence is insufficient to determine the role of this variant in disease conclusively.

This study involves interpretation of variants in research participants for the purpose of population health screening. Participant phenotype was not available at the time of variant classification. Additional details can be found in publication PMID: 35346344, PMCID: PMC8962531

Blueprint Genetics
Classification: Uncertain significance. Last evaluated: 2019-02-01. Review status: criteria provided, single submitter. Criteria: ACMG Guidelines, 2015. Collection method: clinical testing. Allele origin: germline.

CHEO Genetics Diagnostic Laboratory, Children's Hospital of Eastern Ontario
Classification: Uncertain significance for Cardiomyopathy. Last evaluated: 2017-07-04. Review status: criteria provided, single submitter. Criteria: ACMG Guidelines, 2015. Collection method: clinical testing. Allele origin: germline. Study: Canadian Open Genetics Repository.